The following is an entry in ClinVar:

ClinVar aggregate classification (germline): Conflicting classifications of pathogenicity. Review status: criteria provided, conflicting classifications (1 of 4 stars). 5 submissions from 5 submitters: Uncertain significance (1); Benign (1); Likely benign (2). 1 of the submissions does not count toward it. Last evaluated 2026-04-14.

Conditions:
ATP8B1-related disorder. Also called: ATP8B1-related condition; ATP8B1-related disorders.
Familial intrahepatic cholestasis. Identifiers: Orphanet 284385, MedGen CN296401, MONDO:0017290.

Allele frequency attached by ClinVar (database versions not stated): gnomAD exomes 0.00012 and 0.00035; gnomAD 0.00014; 1000 Genomes Project 30x 0.00016; 1000 Genomes Project 0.00020; TOPMed 0.00032; ExAC 0.00035.
gnomAD v4.1: 206 of 1,602,646 alleles (0.013%); highest among the groups gnomAD compares: East Asian, 0.25%; 1 homozygote.

Submissions (5):

Genomenon, Inc
Classification: Likely benign for Familial intrahepatic cholestasis. Last evaluated: 2026-04-14. Review status: criteria provided, single submitter. Criteria: Genomenon Sequence Variant Interpretation Standards - Updated. Collection method: curation. Allele origin: germline. Affected: yes.
Comment: ATP8B1 c.2928G>A is a synonymous variant that retains Alanine at residue 976. This variant has been observed in at least one proband with features of ATP8B1-deficiency (PMID:28733223). This synonymous variant is not predicted to impact splicing. This variant’s allele frequency in gnomAD is greater than expected for this disorder. In conclusion, we classify ATP8B1 p.Ala976= (c.2928G>A) as a likely benign variant.

Labcorp Genetics (formerly Invitae), Labcorp
Classification: Benign. Last evaluated: 2025-12-28. Review status: criteria provided, single submitter. Criteria: Invitae Variant Classification Sherloc (09022015). Collection method: clinical testing. Allele origin: germline.

Eurofins Ntd Llc (ga)
Classification: Uncertain significance. Last evaluated: 2017-09-26. Review status: criteria provided, single submitter. Criteria: EGL Classification Definitions 2015. Collection method: clinical testing. Allele origin: germline. Observed: 3 variant alleles, 3 heterozygotes.

GeneDx
Classification: Likely benign. Last evaluated: 2017-03-30. Review status: criteria provided, single submitter. Criteria: GeneDx Variant Classification (06012015). Collection method: clinical testing. Allele origin: germline. Affected: yes.
Comment: This variant is considered likely benign or benign based on one or more of the following criteria: it is a conservative change, it occurs at a poorly conserved position in the protein, it is predicted to be benign by multiple in silico algorithms, and/or has population frequency not consistent with disease.

PreventionGenetics, part of Exact Sciences
Classification: Likely benign for ATP8B1-related condition. Last evaluated: 2019-06-26. Review status: no assertion criteria provided. Collection method: clinical testing. Allele origin: germline. Not counted in ClinVar's aggregate classification.
Comment: This variant is classified as likely benign based on ACMG/AMP sequence variant interpretation guidelines (Richards et al. 2015 PMID: 25741868, with internal and published modifications).

Literature cited by the submitters: PubMed 28733223 (cited by Genomenon, Inc).

NM_001374385.1(ATP8B1):c.2928G>A (p.Ala976=)

Genes: ATP8B1 (ATPase phospholipid transporting 8B1; minus strand), ATP8B1-AS1 (ATP8B1 antisense RNA 1; plus strand). Cytogenetic location: 18q21.31.
Variant type: single nucleotide variant.
Coding change: c.2928G>A on transcript NM_001374385.1 (MANE Select); coding-DNA position 2928, G replaced by A.
Protein change: p.Ala976=; no amino-acid change (alanine 976 retained).
Molecular consequence: synonymous variant.
Genome position (GRCh38, 1-based): chr18:57,655,197, C>T on the plus strand (G>A on the coding strand, the complement: ATP8B1 is on the minus strand). VCF-style: chr18-57655197-C-T. GRCh37 (hg19) VCF-style: chr18-55322429-C-T.
Other names: c.2778G>A, p.Ala926= (NM_001374386.1); c.2928G>A, p.Ala976= (NM_005603.6).
Identifiers: ClinVar variation 498613 (VCV000498613.17), dbSNP rs201803908, ClinGen allele CA8974135.